The following is an entry in ClinVar:

NM_000441.2(SLC26A4):c.556_562del (p.Val186fs)

Gene: SLC26A4 (solute carrier family 26 member 4; plus strand). Cytogenetic location: 7q22.3.
Variant type: Deletion.
Coding change: c.556_562del on transcript NM_000441.2 (MANE Select); coding-DNA positions 556 to 562, 7 bases deleted (GTCCTGA; older notation c.556_562delGTCCTGA).
Protein change: p.Val186fs; shifts the reading frame from valine 186.
Molecular consequence: frameshift variant.
Genome position (GRCh38, 1-based): chr7:107,674,304-107,674,310, GTCCTGA deleted; deleting any 7 consecutive bases within chr7:107,674,302-107,674,310 gives the same sequence; the c. name uses the placement nearest the transcript's 3' end. VCF-style (leftmost placement, unchanged base first): chr7-107674301-AGAGTCCT-A. GRCh37 (hg19) VCF-style: chr7-107314746-AGAGTCCT-A.
Other names: c.556_562del (NM_000441.1); short protein forms V186fs.
Identifiers: ClinVar variation 3017302 (VCV003017302.4), dbSNP rs2535296523, ClinGen allele CA2684461708.

ClinVar aggregate classification (germline): Pathogenic/Likely pathogenic. Review status: criteria provided, multiple submitters, no conflicts (2 of 4 stars). 2 submissions from 2 submitters: Pathogenic (1); Likely pathogenic (1). Last evaluated 2025-10-07.

Conditions:
Pendred syndrome (PDS). Also called: Pendred's syndrome; Pendred Syndrome (PDS); DEAFNESS WITH GOITER; GOITER-DEAFNESS SYNDROME; HYPOTHYROIDISM, CONGENITAL, DUE TO DYSHORMONOGENESIS, 2B; THYROID DYSHORMONOGENESIS 2B. Identifiers: Orphanet 705, MedGen C0271829, MONDO:0010134, OMIM 274600.

Submissions (2):

Natera, Inc.
Classification: Likely pathogenic for Pendred syndrome. Last evaluated: 2025-10-07. Review status: criteria provided, single submitter. Criteria: Natera Variant Classification Schema (03/2026). Collection method: clinical testing. Allele origin: germline.
Comment: The c.556_562del variant in SLC26A4 is a frameshift variant predicted to shift the reading frame beginning at codon 186 and leads to a stop codon 5 codons downstream. This variant is expected to result in nonsense mediated decay, truncation, or a dysfunctional protein product. This variant is rare in the general population with a frequency below the threshold expected for the associated phenotype(s). Given the available evidence, this variant is classified as Likely Pathogenic.

Labcorp Genetics (formerly Invitae), Labcorp
Classification: Pathogenic. Last evaluated: 2023-11-22. Review status: criteria provided, single submitter. Criteria: Invitae Variant Classification Sherloc (09022015). Collection method: clinical testing. Allele origin: germline.
Comment: This sequence change creates a premature translational stop signal (p.Val186Leufs*5) in the SLC26A4 gene. It is expected to result in an absent or disrupted protein product. Loss-of-function variants in SLC26A4 are known to be pathogenic (PMID: 16283880, 25394566, 26252218, 26445815). This variant is not present in population databases (gnomAD no frequency). This variant has not been reported in the literature in individuals affected with SLC26A4-related conditions. Algorithms developed to predict the effect of sequence changes on RNA splicing suggest that this variant may disrupt the consensus splice site. For these reasons, this variant has been classified as Pathogenic.

Literature cited by the submitters: PubMed 16283880 (cited by Labcorp Genetics (formerly Invitae), Labcorp); PubMed 25394566 (cited by Labcorp Genetics (formerly Invitae), Labcorp); PubMed 26252218 (cited by Labcorp Genetics (formerly Invitae), Labcorp); PubMed 26445815 (cited by Labcorp Genetics (formerly Invitae), Labcorp).